The following is an entry in ClinVar:

NM_014679.5(CEP57):c.1165C>G (p.Pro389Ala)

Gene: CEP57 (centrosomal protein 57; plus strand). Cytogenetic location: 11q21.
Variant type: single nucleotide variant.
Coding change: c.1165C>G on transcript NM_014679.5 (MANE Select); coding-DNA position 1165, C replaced by G.
Protein change: p.Pro389Ala; replaces proline 389 with alanine.
Molecular consequence: missense variant.
Genome position (GRCh38, 1-based): chr11:95,829,224, C>G. VCF-style: chr11-95829224-C-G. GRCh37 (hg19) VCF-style: chr11-95562388-C-G.
Other names: c.1138C>G, p.Pro380Ala (NM_001243776.2); c.1087C>G, p.Pro363Ala (NM_001243777.2); c.1084C>G, p.Pro362Ala (NM_001363604.2); short protein forms P362A, P380A, P363A, P389A.
Identifiers: ClinVar variation 2191009 (VCV002191009.4), dbSNP rs1590960094, ClinGen allele CA382408770.

ClinVar aggregate classification (germline): Uncertain significance (1 of 4 stars; one submission).

Conditions:
Mosaic variegated aneuploidy syndrome 2 (MVA2). Identifiers: Orphanet 1052, MedGen C3279843, MONDO:0013582, OMIM 614114.

Submission:

Labcorp Genetics (formerly Invitae), Labcorp
Classification: Uncertain significance for Mosaic variegated aneuploidy syndrome 2. Last evaluated: 2024-09-06. Review status: criteria provided, single submitter. Criteria: Invitae Variant Classification Sherloc (09022015). Collection method: clinical testing. Allele origin: germline.
Comment: This sequence change replaces proline, which is neutral and non-polar, with alanine, which is neutral and non-polar, at codon 389 of the CEP57 protein (p.Pro389Ala). This variant is not present in population databases (gnomAD no frequency). This variant has not been reported in the literature in individuals affected with CEP57-related conditions. ClinVar contains an entry for this variant (Variation ID: 2191009). Invitae Evidence Modeling of protein sequence and biophysical properties (such as structural, functional, and spatial information, amino acid conservation, physicochemical variation, residue mobility, and thermodynamic stability) indicates that this missense variant is not expected to disrupt CEP57 protein function with a negative predictive value of 80%. In summary, the available evidence is currently insufficient to determine the role of this variant in disease. Therefore, it has been classified as a Variant of Uncertain Significance.